The following is an entry in ClinVar:

NM_004281.4(BAG3):c.1055C>G (p.Ser352Cys)

Gene: BAG3 (BAG cochaperone 3; plus strand). Cytogenetic location: 10q26.11.
Variant type: single nucleotide variant.
Coding change: c.1055C>G on transcript NM_004281.4 (MANE Select); coding-DNA position 1055, C replaced by G.
Protein change: p.Ser352Cys; replaces serine 352 with cysteine.
Molecular consequence: missense variant.
Genome position (GRCh38, 1-based): chr10:119,676,609, C>G. VCF-style: chr10-119676609-C-G. GRCh37 (hg19) VCF-style: chr10-121436121-C-G.
Other names: short protein forms S352C.
Identifiers: ClinVar variation 1350396 (VCV001350396.10), dbSNP rs1564776574, ClinGen allele CA378296548.

ClinVar aggregate classification (germline): Uncertain significance. Review status: criteria provided, multiple submitters, no conflicts (2 of 4 stars). 2 submissions from 2 submitters: Uncertain significance (2). Last evaluated 2022-09-28.

Conditions:
Cardiovascular phenotype. Identifiers: MedGen CN230736.
Dilated cardiomyopathy 1HH (CMD1HH). Identifiers: Orphanet 154, MedGen C3151293, MONDO:0013479, OMIM 613881.
Myofibrillar myopathy 6. Identifiers: Orphanet 199340, MedGen C2751831, MONDO:0013061, OMIM 612954.

Allele frequency attached by ClinVar (database versions not stated): gnomAD exomes below 0.00001.
gnomAD v4.1: 2 of 1,614,136 alleles (0.00012%); highest among the groups gnomAD compares: East Asian, 0.0045%; no homozygotes.

Submissions (2):

Ambry Genetics
Classification: Uncertain significance for Cardiovascular phenotype. Last evaluated: 2022-09-28. Review status: criteria provided, single submitter. Criteria: Ambry Variant Classification Scheme 2023. Collection method: clinical testing. Allele origin: germline.
Comment: The p.S352C variant (also known as c.1055C>G), located in coding exon 4 of the BAG3 gene, results from a C to G substitution at nucleotide position 1055. The serine at codon 352 is replaced by cysteine, an amino acid with dissimilar properties. This amino acid position is conserved. In addition, this alteration is predicted to be tolerated by in silico analysis. Since supporting evidence is limited at this time, the clinical significance of this alteration remains unclear.

Labcorp Genetics (formerly Invitae), Labcorp
Classification: Uncertain significance for Dilated cardiomyopathy 1HH; Myofibrillar myopathy 6. Last evaluated: 2020-11-23. Review status: criteria provided, single submitter. Criteria: Invitae Variant Classification Sherloc (09022015). Collection method: clinical testing. Allele origin: germline.
Comment: This sequence change replaces serine with cysteine at codon 352 of the BAG3 protein (p.Ser352Cys). The serine residue is weakly conserved and there is a moderate physicochemical difference between serine and cysteine. This variant is not present in population databases (ExAC no frequency). In summary, the available evidence is currently insufficient to determine the role of this variant in disease. Therefore, it has been classified as a Variant of Uncertain Significance. Algorithms developed to predict the effect of missense changes on protein structure and function are either unavailable or do not agree on the potential impact of this missense change (SIFT: "Deleterious"; PolyPhen-2: "Not Available"; Align-GVGD: "Class C15"). This variant has not been reported in the literature in individuals with BAG3-related conditions.